The following is an entry in ClinVar:

ClinVar aggregate classification (germline): Benign. Review status: criteria provided, multiple submitters, no conflicts (2 of 4 stars). 5 submissions from 5 submitters: Benign (4). 1 of the submissions does not count toward it. Last evaluated 2026-01-27.

Conditions:
NR3C2-related disorder. Also called: NR3C2-related condition; NR3C2-related disorders.
Autosomal dominant pseudohypoaldosteronism type 1. Also called: PHA I, AUTOSOMAL DOMINANT; Pseudohypoaldosteronism, Type I, Autosomal Dominant; Pseudohypoaldosteronism, Type I, Dominant. Identifiers: Orphanet 171871, Orphanet 756, MedGen C1449842, MONDO:0008329, OMIM 177735.

Allele frequency attached by ClinVar (database versions not stated): gnomAD exomes 0.00080 and 0.00221; ExAC 0.00269; 1000 Genomes Project 30x 0.00656; 1000 Genomes Project 0.00679; gnomAD 0.00847 and 0.00919; TOPMed 0.00945; ESP Exome Variant Server 0.01000.
gnomAD v4.1: 2,534 of 1,614,102 alleles (0.16%); highest among the groups gnomAD compares: African/African-American, 2.9%; 31 homozygotes.

Submissions (5):

Labcorp Genetics (formerly Invitae), Labcorp
Classification: Benign. Last evaluated: 2026-01-27. Review status: criteria provided, single submitter. Criteria: Invitae Variant Classification Sherloc (09022015). Collection method: clinical testing. Allele origin: germline.

Mayo Clinic Laboratories, Mayo Clinic
Classification: Benign. Last evaluated: 2024-09-19. Review status: criteria provided, single submitter. Criteria: ACMG Guidelines, 2015. Collection method: clinical testing. Allele origin: germline. Observed: 1 variant allele.
Comment: BS1, BS2, BP4, BP7

Illumina Laboratory Services, Illumina
Classification: Benign for Autosomal dominant pseudohypoaldosteronism type 1. Last evaluated: 2018-01-12. Review status: criteria provided, single submitter. Criteria: ICSL Variant Classification Criteria 13 December 2019. Collection method: clinical testing. Allele origin: germline.
Comment: This variant was observed in the ICSL laboratory as part of a predisposition screen in an ostensibly healthy population. It had not been previously curated by ICSL or reported in the Human Gene Mutation Database (HGMD: prior to June 1st, 2018), and was therefore a candidate for classification through an automated scoring system. Utilizing variant allele frequency, disease prevalence and penetrance estimates, and inheritance mode, an automated score was calculated to assess if this variant is too frequent to cause the disease. Based on the score and internal cut-off values, a variant classified as benign is not then subjected to further curation. The score for this variant resulted in a classification of benign for this disease.

Breakthrough Genomics
Classification: Benign. Review status: criteria provided, single submitter. Criteria: ACMG Guidelines, 2015. Collection method: not provided. Allele origin: germline. Inheritance: Autosomal dominant inheritance. Affected: yes.

PreventionGenetics, part of Exact Sciences
Classification: Benign for NR3C2-related condition. Last evaluated: 2019-06-23. Review status: no assertion criteria provided. Collection method: clinical testing. Allele origin: germline. Not counted in ClinVar's aggregate classification.
Comment: This variant is classified as benign based on ACMG/AMP sequence variant interpretation guidelines (Richards et al. 2015 PMID: 25741868, with internal and published modifications).

NM_000901.5(NR3C2):c.1092G>A (p.Thr364=)

Gene: NR3C2 (nuclear receptor subfamily 3 group C member 2; minus strand). Cytogenetic location: 4q31.23.
Variant type: single nucleotide variant.
Coding change: c.1092G>A on transcript NM_000901.5 (MANE Select); coding-DNA position 1092, G replaced by A.
Protein change: p.Thr364=; no amino-acid change (threonine 364 retained).
Molecular consequence: synonymous variant. On other transcripts: non-coding transcript variant (1).
Genome position (GRCh38, 1-based): chr4:148,435,769, C>T on the plus strand (G>A on the coding strand, the complement: NR3C2 is on the minus strand). VCF-style: chr4-148435769-C-T. GRCh37 (hg19) VCF-style: chr4-149356921-C-T.
Other names: p.Thr364=; c.1092G>A, p.Thr364= (NM_001166104.2, NM_001354819.1).
Identifiers: ClinVar variation 347733 (VCV000347733.17), dbSNP rs61729559, ClinGen allele CA3100362.